The following is an entry in ClinVar:

ClinVar aggregate classification (germline): Uncertain significance (1 of 4 stars; one submission).

Conditions:
Muscle AMP deaminase deficiency (MMDD). Also called: AMPD1 DEFICIENCY; Myoadenylate deaminase deficiency, myopathy due to; Adenosine monophosphate deaminase 1 deficiency; AMP deaminase 1 deficiency; Adenosine Monophosphate Deaminase 1; ADENOSINE MONOPHOSPHATE DEAMINASE-1 DEFICIENCY, MYOPATHY DUE TO. Identifiers: Orphanet 45, MedGen C3714933, MONDO:0014220, OMIM 615511.

Allele frequency attached by ClinVar (database versions not stated): TOPMed 0.00001.
gnomAD v4.1: 4 of 1,614,110 alleles (0.00025%); highest among the groups gnomAD compares: Non-Finnish European, 0.00034%; no homozygotes.

Submission:

Labcorp Genetics (formerly Invitae), Labcorp
Classification: Uncertain significance for Muscle AMP deaminase deficiency. Last evaluated: 2021-10-28. Review status: criteria provided, single submitter. Criteria: Invitae Variant Classification Sherloc (09022015). Collection method: clinical testing. Allele origin: germline.
Comment: In summary, the available evidence is currently insufficient to determine the role of this variant in disease. Therefore, it has been classified as a Variant of Uncertain Significance. Algorithms developed to predict the effect of missense changes on protein structure and function are either unavailable or do not agree on the potential impact of this missense change (SIFT: "Tolerated"; PolyPhen-2: "Possibly Damaging"; Align-GVGD: "Class C0"). This variant has not been reported in the literature in individuals affected with AMPD1-related conditions. This variant is not present in population databases (gnomAD no frequency). This sequence change replaces histidine, which is basic and polar, with proline, which is neutral and non-polar, at codon 554 of the AMPD1 protein (p.His554Pro).

NM_000036.3(AMPD1):c.1562A>C (p.His521Pro)

Gene: AMPD1 (adenosine monophosphate deaminase 1; minus strand). Cytogenetic location: 1p13.2.
Variant type: single nucleotide variant.
Coding change: c.1562A>C on transcript NM_000036.3 (MANE Select); coding-DNA position 1562, A replaced by C.
Protein change: p.His521Pro; replaces histidine 521 with proline.
Molecular consequence: missense variant.
Genome position (GRCh38, 1-based): chr1:114,675,647, T>G on the plus strand (A>C on the coding strand, the complement: AMPD1 is on the minus strand). VCF-style: chr1-114675647-T-G. GRCh37 (hg19) VCF-style: chr1-115218268-T-G.
Other names: c.1550A>C, p.His517Pro (NM_001172626.2); short protein forms H521P, H517P.
Identifiers: ClinVar variation 1443790 (VCV001443790.5), dbSNP rs1156760290, ClinGen allele CA341747022.
Genomic context (GRCh38, chr1:114,675,647, plus strand): 5'-TAAGATGGATTCTTTTCCAATGTCCACTCCTGGGGCTTGGGACTCTTGGAGGAGAACATG[T>G]GGCCACTGTGTTTGGACTCATCATCCACACTGTCAAAGCCAGTGATCTGTTAGGAAAAGT-3'
Protein context (NP_000027.3, residues 511-531): SVDDESKHSG[His521Pro]MFSSKSPKPQ